The following is an entry in ClinVar:

NM_000051.4(ATM):c.276A>G (p.Lys92=)

Gene: ATM (ATM serine/threonine kinase; plus strand). Cytogenetic location: 11q22.3.
Variant type: single nucleotide variant.
Coding change: c.276A>G on transcript NM_000051.4 (MANE Select); coding-DNA position 276, A replaced by G.
Protein change: p.Lys92=; no amino-acid change (lysine 92 retained).
Molecular consequence: synonymous variant.
Genome position (GRCh38, 1-based): chr11:108,229,268, A>G. VCF-style: chr11-108229268-A-G. GRCh37 (hg19) VCF-style: chr11-108099995-A-G.
Other names: c.276A>G, p.Lys92= (NM_001351834.2, NM_001351835.2, NM_001351836.2).
Identifiers: ClinVar variation 183884 (VCV000183884.17), dbSNP rs786201137, ClinGen allele CA186860.

ClinVar aggregate classification (germline): Benign/Likely benign. Review status: criteria provided, multiple submitters, no conflicts (2 of 4 stars). 5 submissions from 5 submitters: Benign (1); Likely benign (4). Last evaluated 2025-10-01.

Conditions:
Hereditary cancer-predisposing syndrome. Also called: Tumor predisposition; Hereditary Cancer Syndrome; Hereditary neoplastic syndrome; Neoplastic Syndromes, Hereditary. Identifiers: Orphanet 140162, MedGen C0027672, MeSH D009386, MONDO:0015356.
Familial cancer of breast. Also called: BREAST CANCER, FAMILIAL; hereditary breast carcinoma; Hereditary breast cancer. Identifiers: Orphanet 227535, MedGen C0346153, MONDO:0016419, OMIM 114480. Disease mechanism: loss of function.
Ataxia-telangiectasia syndrome (AT). Also called: LOUIS-BAR SYNDROME; Cerebello-oculocutaneous telangiectasia; Immunodeficiency with ataxia telangiectasia; ATAXIA-TELANGIECTASIA, COMPLEMENTATION GROUP A; ATAXIA-TELANGIECTASIA, FRESNO VARIANT; Ataxia-telangiectasia. Identifiers: Orphanet 100, MedGen C0004135, MONDO:0008840, OMIM 208900.

Allele frequency attached by ClinVar (database versions not stated): gnomAD exomes below 0.00001.
gnomAD v4.1: 2 of 1,613,916 alleles (0.00012%); highest among the groups gnomAD compares: East Asian, 0.0022%; no homozygotes.

Submissions (5):

Labcorp Genetics (formerly Invitae), Labcorp
Classification: Likely benign for Ataxia-telangiectasia syndrome. Last evaluated: 2025-10-01. Review status: criteria provided, single submitter. Criteria: Invitae Variant Classification Sherloc (09022015). Collection method: clinical testing. Allele origin: germline.

Quest Diagnostics Nichols Institute San Juan Capistrano
Classification: Likely benign. Last evaluated: 2025-06-03. Review status: criteria provided, single submitter. Criteria: Quest Diagnostics criteria. Collection method: clinical testing. Allele origin: unknown.

Myriad Genetics, Inc.
Classification: Benign for Familial cancer of breast. Last evaluated: 2024-04-18. Review status: criteria provided, single submitter. Criteria: Myriad Autosomal Dominant, Autosomal Recessive and X-Linked Classification Criteria (2023). Collection method: clinical testing. Allele origin: unknown.
Comment: This variant is considered benign. This variant is a silent/synonymous amino acid change and it is not expected to impact splicing.

Ambry Genetics
Classification: Likely benign for Hereditary cancer-predisposing syndrome. Last evaluated: 2016-08-08. Review status: criteria provided, single submitter. Criteria: Ambry Variant Classification Scheme 2023. Collection method: clinical testing. Allele origin: germline.

GeneDx
Classification: Likely benign. Last evaluated: 2016-08-08. Review status: criteria provided, single submitter. Criteria: GeneDx Variant Classification (06012015). Collection method: clinical testing. Allele origin: germline. Affected: yes.
Comment: This variant is considered likely benign or benign based on one or more of the following criteria: it is a conservative change, it occurs at a poorly conserved position in the protein, it is predicted to be benign by multiple in silico algorithms, and/or has population frequency not consistent with disease.